The following is an entry in ClinVar:

NM_003978.5(PSTPIP1):c.1129G>A (p.Glu377Lys)

Gene: PSTPIP1 (proline-serine-threonine phosphatase interacting protein 1; plus strand). Cytogenetic location: 15q24.3.
Variant type: single nucleotide variant.
Coding change: c.1129G>A on transcript NM_003978.5 (MANE Select); coding-DNA position 1129, G replaced by A.
Protein change: p.Glu377Lys; replaces glutamic acid 377 with lysine.
Molecular consequence: missense variant. On other transcripts: non-coding transcript variant (1).
Genome position (GRCh38, 1-based): chr15:77,037,054, G>A. VCF-style: chr15-77037054-G-A. GRCh37 (hg19) VCF-style: chr15-77329395-G-A.
Other names: c.1072G>A, p.Glu358Lys (NM_001321135.2); c.1102G>A, p.Glu368Lys (NM_001321136.2); c.1324G>A, p.Glu442Lys (NM_001321137.1); c.1120G>A, p.Glu374Lys (NM_001411086.1); short protein forms E368K, E442K, E358K, E374K, E377K.
Identifiers: ClinVar variation 3017724 (VCV003017724.3), dbSNP rs2542901579, ClinGen allele CA393521940.

ClinVar aggregate classification (germline): Uncertain significance (1 of 4 stars; one submission).

Conditions:
Pyogenic arthritis-pyoderma gangrenosum-acne syndrome (PAPA). Also called: FAMILIAL RECURRENT ARTHRITIS; PAPA SYNDROME. Identifiers: Orphanet 69126, MedGen C1858361, MONDO:0011462, OMIM 604416.

Allele frequency attached by ClinVar (database versions not stated): gnomAD exomes below 0.00001.
gnomAD v4.1: 5 of 1,612,148 alleles (0.00031%); highest among the groups gnomAD compares: Non-Finnish European, 0.00042%; no homozygotes.

Submission:

Labcorp Genetics (formerly Invitae), Labcorp
Classification: Uncertain significance for Pyogenic arthritis-pyoderma gangrenosum-acne syndrome. Last evaluated: 2025-03-26. Review status: criteria provided, single submitter. Criteria: Invitae Variant Classification Sherloc (09022015). Collection method: clinical testing. Allele origin: germline.
Comment: This sequence change replaces glutamic acid, which is acidic and polar, with lysine, which is basic and polar, at codon 377 of the PSTPIP1 protein (p.Glu377Lys). This variant is not present in population databases (gnomAD no frequency). This variant has not been reported in the literature in individuals affected with PSTPIP1-related conditions. ClinVar contains an entry for this variant (Variation ID: 3017724). Invitae Evidence Modeling of protein sequence and biophysical properties (such as structural, functional, and spatial information, amino acid conservation, physicochemical variation, residue mobility, and thermodynamic stability) indicates that this missense variant is expected to disrupt PSTPIP1 protein function with a positive predictive value of 80%. In summary, the available evidence is currently insufficient to determine the role of this variant in disease. Therefore, it has been classified as a Variant of Uncertain Significance.